The following is an entry in ClinVar:

NM_002734.5(PRKAR1A):c.984A>G (p.Ala328=)

Gene: PRKAR1A (protein kinase cAMP-dependent type I regulatory subunit alpha; plus strand). Cytogenetic location: 17q24.2.
Variant type: single nucleotide variant.
Coding change: c.984A>G on transcript NM_002734.5 (MANE Select); coding-DNA position 984, A replaced by G.
Protein change: p.Ala328=; no amino-acid change (alanine 328 retained).
Molecular consequence: synonymous variant. On other transcripts: intron variant (1).
Genome position (GRCh38, 1-based): chr17:68,530,287, A>G. VCF-style: chr17-68530287-A-G. GRCh37 (hg19) VCF-style: chr17-66526428-A-G.
Other names: c.984A>G, p.Ala328= (NM_001276289.2, NM_001278433.2, NM_001369389.1 and 3 more transcripts); c.973+286A>G (NM_001276290.1).
Identifiers: ClinVar variation 746144 (VCV000746144.15), dbSNP rs1161181036, ClinGen allele CA501528280.

ClinVar aggregate classification (germline): Likely benign. Review status: criteria provided, multiple submitters, no conflicts (2 of 4 stars). 5 submissions from 5 submitters: Likely benign (5). Last evaluated 2026-04-01.

Conditions:
Hereditary cancer-predisposing syndrome. Also called: Hereditary Cancer Syndrome; Tumor predisposition; Hereditary neoplastic syndrome; Neoplastic Syndromes, Hereditary. Identifiers: Orphanet 140162, MedGen C0027672, MeSH D009386, MONDO:0015356.
Carney complex, type 1 (CNC1). Also called: CARNEY MYXOMA-ENDOCRINE COMPLEX; CARNEY COMPLEX, TYPE I. Identifiers: Orphanet 1359, MedGen C2607929, MONDO:0008057, OMIM 160980.

Allele frequency attached by ClinVar (database versions not stated): gnomAD exomes 0.00001; TOPMed 0.00002; gnomAD 0.00003 and 0.00004.
gnomAD v4.1: 9 of 1,614,022 alleles (0.00056%); highest among the groups gnomAD compares: African/African-American, 0.0067%; no homozygotes.

Submissions (5):

CeGaT Center for Human Genetics Tuebingen
Classification: Likely benign. Last evaluated: 2026-04-01. Review status: criteria provided, single submitter. Criteria: CeGaT Center For Human Genetics Tuebingen Variant Classification Criteria Version 2. Collection method: clinical testing. Allele origin: germline. Affected: yes. Observed: 1 variant allele.
Comment: PRKAR1A: BP4, BP7

Labcorp Genetics (formerly Invitae), Labcorp
Classification: Likely benign for Carney complex, type 1. Last evaluated: 2025-12-21. Review status: criteria provided, single submitter. Criteria: Invitae Variant Classification Sherloc (09022015). Collection method: clinical testing. Allele origin: germline.

Women's Health and Genetics/Laboratory Corporation of America, LabCorp
Classification: Likely benign. Last evaluated: 2022-12-18. Review status: criteria provided, single submitter. Criteria: LabCorp Variant Classification Summary - May 2015. Collection method: clinical testing. Allele origin: germline.

Sema4
Classification: Likely benign for Hereditary cancer-predisposing syndrome. Last evaluated: 2021-03-26. Review status: criteria provided, single submitter. Criteria: Sema4 Curation Guidelines. Collection method: curation. Allele origin: germline.

Ambry Genetics
Classification: Likely benign for Hereditary cancer-predisposing syndrome. Last evaluated: 2020-02-03. Review status: criteria provided, single submitter. Criteria: Ambry Variant Classification Scheme 2023. Collection method: clinical testing. Allele origin: germline.